The following is an entry in ClinVar:

ClinVar aggregate classification (germline): Likely benign (1 of 4 stars; one submission).

gnomAD v4.1: 41 of 1,532,138 alleles (0.0027%); highest among the groups gnomAD compares: Non-Finnish European, 0.0031%; no homozygotes.

Submission:

CeGaT Center for Human Genetics Tuebingen
Classification: Likely benign. Last evaluated: 2026-06-01. Review status: criteria provided, single submitter. Criteria: CeGaT Center For Human Genetics Tuebingen Variant Classification Criteria Version 2. Collection method: clinical testing. Allele origin: germline. Affected: yes. Observed: 1 variant allele.
Comment: STRA6: BP4, BP7

NM_022369.4(STRA6):c.-15-211G>T

Gene: STRA6 (signaling receptor and transporter of retinol STRA6; minus strand). Cytogenetic location: 15q24.1.
Variant type: single nucleotide variant.
Coding change: c.-15-211G>T on transcript NM_022369.4 (MANE Select); 211 bases into the intron before 15 bases upstream of the start codon, G replaced by T.
Molecular consequence: intron variant. On other transcripts: synonymous variant (1).
Genome position (GRCh38, 1-based): chr15:74,202,493, C>A on the plus strand (G>T on the coding strand, the complement: STRA6 is on the minus strand). VCF-style: chr15-74202493-C-A. GRCh37 (hg19) VCF-style: chr15-74494834-C-A.
Other names: c.27G>T, p.Thr9= (NM_001199042.2); c.-15-211G>T (NM_001437994.1, NM_001142619.2, NM_001142617.2 and 2 more transcripts); c.97-211G>T (NM_001199040.2); c.31-211G>T (NM_001199041.2).
Identifiers: ClinVar variation 4873543 (VCV004873543.2).
Genomic context (GRCh38, chr15:74,202,493, plus strand): 5'-AAAAGCCCGTCTGGGACTGAGGGCCTGAGCAAGCTGGCACGGGAAGAGGACAGGGCCTCT[C>A]GTGTCCCCTCCTCCCTTCCCGCCCATCGCACTGGTCCTGCAGAGATAGCTGTCCCCTTGG-3'